The following is an entry in ClinVar:

NM_000419.5(ITGA2B):c.2975del (p.Glu992fs)

Gene: ITGA2B (integrin subunit alpha 2b; minus strand). Cytogenetic location: 17q21.31.
Variant type: Deletion.
Coding change: c.2975del on transcript NM_000419.5 (MANE Select); coding-DNA position 2975, one base deleted (A; older notation c.2975delA).
Protein change: p.Glu992fs; shifts the reading frame from glutamic acid 992.
Molecular consequence: frameshift variant.
Genome position (GRCh38, 1-based): chr17:44,374,439, T deleted on the plus strand (A on the coding strand, the reverse complement: ITGA2B is on the minus strand). VCF-style (leftmost placement, unchanged base first): chr17-44374438-CT-C. GRCh37 (hg19) VCF-style: chr17-42451806-CT-C.
Other names: short protein forms E992fs.
Identifiers: ClinVar variation 953039 (VCV000953039.4), dbSNP rs1467071163, ClinGen allele CA626224451.

ClinVar aggregate classification (germline): Likely pathogenic (3 of 4 stars; one submission).

Conditions:
Glanzmann thrombasthenia. Also called: BLEEDING DISORDER, PLATELET-TYPE, 2; THROMBASTHENIA OF GLANZMANN AND NAEGELI; PLATELET GLYCOPROTEIN IIb-IIIa DEFICIENCY; Glanzmann's thrombasthenia; Thrombasthenia. Identifiers: Orphanet 849, MedGen C0040015, MONDO:0100326.

Allele frequency attached by ClinVar (database versions not stated): gnomAD exomes below 0.00001.

Submission:

ClinGen Platelet Disorders Variant Curation Expert Panel, ClinGen
Classification: Likely pathogenic for Glanzmann thrombasthenia. Last evaluated: 2023-10-17. Review status: reviewed by expert panel. Criteria: ClinGen Platelet ACMG Specifications v2-1. Collection method: curation. Allele origin: germline. Inheritance: Autosomal recessive inheritance.
Comment: The NM_000419.5(ITGA2B):c.2975del (p.Glu992GlyfsTer?) variant has been described in at least one patient with a phenotypes highly specific to GT including mucocutaneous bleeding, impaired aggregation with all agonists except ristocetin (PMID: 22190468; PP4_moderate). This patient is compound heterozygous with Gln778Pro (classified as Pathogenic by the ClinGen Platelet Disorders VCEP) in trans (PM3). This frameshift variant occurs in exon 28 and results in 51 altered amino acids followed by as stop loss and the elongation of the protein by 90 amino acids, which alters the entirety of the transmembrane domain which is critical to protein function (PMID: 25617834) as well as the cytoplasmic domain (PVS1_Strong). The variant is reported in 1/18394 alleles (frequency of 0.00005437) in the East Asian population in gnomAD, which meets the threshold <0.0001 alleles (PM2_supporting). In summary, this variant meets criteria to be classified as likely pathogenic for GT. GT-specific criteria applied: PM2_supporting, PVS1_strong, PM3, PP4_moderate. (PD-VCEP specifications v2.1)